The following is an entry in ClinVar:

ClinVar aggregate classification (germline): Uncertain significance (1 of 4 stars; one submission).

Submission:

Women's Health and Genetics/Laboratory Corporation of America, LabCorp
Classification: Uncertain significance. Last evaluated: 2022-09-12. Review status: criteria provided, single submitter. Criteria: LabCorp Variant Classification Summary - May 2015. Collection method: clinical testing. Allele origin: germline.
Comment: Variant summary: The variant identified by MLPA or other technology involves the duplication of exons 13-14 in the DPYD gene. A presumed nomenclature of c.(1524+1_1525-1)_(1905+1_1906-1)dup has been designated for the purposes of this classification. It has been assumed that this is a tandem duplication in direct orientation (Richardson_GIM_2018, Newman_AJHG_2015). Although exact breakpoints of this duplication are not known, it is expected to result in a large in-frame duplication change in the DPYD gene (amino acids 509-635), which would affect the first portion of the dihydroorotate dehydrogenase domain (amino acids 534-849; IPR005720). The variant was absent in 21694 control chromosomes (gnomAD database, Structural Variants dataset). The available data on variant occurrences in the general population are insufficient to allow any conclusion about variant significance. To our knowledge, no occurrence of c.(1524+1_1525-1)_(1905+1_1906-1)dup in individuals affected with Dihydropyrimidine Dehydrogenase Deficiency and no experimental evidence demonstrating its impact on protein function have been reported. One clinical diagnostic laboratory has submitted clinical-significance assessments for this variant to ClinVar after 2014 without evidence for independent evaluation, classified the variant as uncertain significance. Based on the evidence outlined above, the variant was classified as uncertain significance.

NC_000001.10:g.(97848018_97915614)_(97981498_98015115)dup

Gene: DPYD (dihydropyrimidine dehydrogenase; minus strand). Cytogenetic location: 1p21.3.
Variant type: Duplication.
Identifiers: ClinVar variation 1722330 (VCV001722330.1).